The following is an entry in ClinVar:

ClinVar aggregate classification (germline): Likely benign (0 of 4 stars; one submission).

Conditions:
PLXNA3-related disorder. Also called: PLXNA3-related condition.

Allele frequency attached by ClinVar (database versions not stated): gnomAD exomes 0.00006; ESP Exome Variant Server 0.00009; gnomAD 0.00010; TOPMed 0.00012; ExAC 0.00026.

Submission:

PreventionGenetics, part of Exact Sciences
Classification: Likely benign for PLXNA3-related condition. Last evaluated: 2023-03-03. Review status: no assertion criteria provided. Collection method: clinical testing. Allele origin: germline.
Comment: This variant is classified as likely benign based on ACMG/AMP sequence variant interpretation guidelines (Richards et al. 2015 PMID: 25741868, with internal and published modifications).

NM_017514.5(PLXNA3):c.2171G>A (p.Arg724Gln)

Gene: PLXNA3 (plexin A3; plus strand). Cytogenetic location: Xq28.
Variant type: single nucleotide variant.
Coding change: c.2171G>A on transcript NM_017514.5 (MANE Select); coding-DNA position 2171, G replaced by A.
Protein change: p.Arg724Gln; replaces arginine 724 with glutamine.
Molecular consequence: missense variant.
Genome position (GRCh38, 1-based): chrX:154,465,145, G>A. VCF-style: chrX-154465145-G-A. GRCh37 (hg19) VCF-style: chrX-153693488-G-A.
Other names: short protein forms R724Q.
Identifiers: ClinVar variation 3029411 (VCV003029411.2), dbSNP rs367770095, ClinGen allele CA10564291.